The following is an entry in ClinVar:

NM_000465.4(BARD1):c.1136A>C (p.Lys379Thr)

Gene: BARD1 (BRCA1 associated RING domain 1; minus strand). Cytogenetic location: 2q35.
Variant type: single nucleotide variant.
Coding change: c.1136A>C on transcript NM_000465.4 (MANE Select); coding-DNA position 1136, A replaced by C.
Protein change: p.Lys379Thr; replaces lysine 379 with threonine.
Molecular consequence: missense variant. On other transcripts: non-coding transcript variant (2), intron variant (3).
Genome position (GRCh38, 1-based): chr2:214,780,738, T>G on the plus strand (A>C on the coding strand, the complement: BARD1 is on the minus strand). VCF-style: chr2-214780738-T-G. GRCh37 (hg19) VCF-style: chr2-215645462-T-G.
Other names: c.1079A>C, p.Lys360Thr (NM_001282543.2); c.159-28183A>C (NM_001282548.2); c.215+16323A>C (NM_001282545.2); c.364+11559A>C (NM_001282549.2); short protein forms K379T, K360T.
Identifiers: ClinVar variation 219888 (VCV000219888.19), dbSNP rs750827325, ClinGen allele CA349803.

ClinVar aggregate classification (germline): Uncertain significance. Review status: criteria provided, multiple submitters, no conflicts (2 of 4 stars). 8 submissions from 8 submitters: Uncertain significance (8). Last evaluated 2026-01-01.

Conditions:
BARD1-related disorder. Also called: BARD1-related condition.
Hereditary cancer-predisposing syndrome. Also called: Neoplastic Syndromes, Hereditary; Hereditary Cancer Syndrome; Tumor predisposition; Hereditary neoplastic syndrome. Identifiers: Orphanet 140162, MedGen C0027672, MeSH D009386, MONDO:0015356.
Familial cancer of breast. Also called: Hereditary breast cancer; hereditary breast carcinoma; BREAST CANCER, FAMILIAL. Identifiers: Orphanet 227535, MedGen C0346153, MONDO:0016419, OMIM 114480. Disease mechanism: loss of function.

gnomAD v4.1: 2 of 1,614,092 alleles (0.00012%); highest among the groups gnomAD compares: Middle Eastern, 0.016%; no homozygotes.

Submissions (8):

CeGaT Center for Human Genetics Tuebingen
Classification: Uncertain significance. Last evaluated: 2026-01-01. Review status: criteria provided, single submitter. Criteria: CeGaT Center For Human Genetics Tuebingen Variant Classification Criteria Version 2. Collection method: clinical testing. Allele origin: germline. Affected: yes. Observed: 1 variant allele.
Comment: BARD1: PM2, BP4

Labcorp Genetics (formerly Invitae), Labcorp
Classification: Uncertain significance for Familial cancer of breast. Last evaluated: 2025-08-17. Review status: criteria provided, single submitter. Criteria: Invitae Variant Classification Sherloc (09022015). Collection method: clinical testing. Allele origin: germline.
Comment: This sequence change replaces lysine, which is basic and polar, with threonine, which is neutral and polar, at codon 379 of the BARD1 protein (p.Lys379Thr). This variant is present in population databases (no rsID available, gnomAD 0.003%). This variant has not been reported in the literature in individuals affected with BARD1-related conditions. ClinVar contains an entry for this variant (Variation ID: 219888). An algorithm developed to predict the effect of missense changes on protein structure and function (PolyPhen-2) suggests that this variant is likely to be tolerated. In summary, the available evidence is currently insufficient to determine the role of this variant in disease. Therefore, it has been classified as a Variant of Uncertain Significance.

Women's Health and Genetics/Laboratory Corporation of America, LabCorp
Classification: Uncertain significance. Last evaluated: 2024-12-26. Review status: criteria provided, single submitter. Criteria: LabCorp Variant Classification Summary - May 2015. Collection method: clinical testing. Allele origin: germline.

Ambry Genetics
Classification: Uncertain significance for Hereditary cancer-predisposing syndrome. Last evaluated: 2023-09-18. Review status: criteria provided, single submitter. Criteria: Ambry Variant Classification Scheme 2023. Collection method: clinical testing. Allele origin: germline.
Comment: The p.K379T variant (also known as c.1136A>C), located in coding exon 4 of the BARD1 gene, results from an A to C substitution at nucleotide position 1136. The lysine at codon 379 is replaced by threonine, an amino acid with similar properties. This amino acid position is poorly conserved in available vertebrate species. In addition, this alteration is predicted to be tolerated by in silico analysis. Since supporting evidence is limited at this time, the clinical significance of this alteration remains unclear.

GeneDx
Classification: Uncertain significance. Last evaluated: 2023-04-17. Review status: criteria provided, single submitter. Criteria: GeneDx Variant Classification Process June 2021. Collection method: clinical testing. Allele origin: germline. Affected: yes.
Comment: Not observed at significant frequency in large population cohorts (gnomAD); In silico analysis supports that this missense variant does not alter protein structure/function; Has not been previously published as pathogenic or benign to our knowledge

PreventionGenetics, part of Exact Sciences
Classification: Uncertain significance for BARD1-related condition. Last evaluated: 2023-01-03. Review status: criteria provided, single submitter. Criteria: ACMG Guidelines, 2015. Collection method: clinical testing. Allele origin: germline.
Comment: The BARD1 c.1136A>C variant is predicted to result in the amino acid substitution p.Lys379Thr. To our knowledge, this variant has not been reported in the literature. This variant is reported in 0.0029% of alleles in individuals of Latino descent in gnomAD. In ClinVar, this variant is interpreted as uncertain. At this time, the clinical significance of this variant is uncertain due to the absence of conclusive functional and genetic evidence.

Quest Diagnostics Nichols Institute San Juan Capistrano
Classification: Uncertain significance. Last evaluated: 2019-03-05. Review status: criteria provided, single submitter. Criteria: Quest Diagnostics criteria. Collection method: clinical testing. Allele origin: germline.

Mendelics
Classification: Uncertain significance for Familial cancer of breast. Last evaluated: 2018-07-02. Review status: criteria provided, single submitter. Criteria: Mendelics Assertion Criteria 2017. Collection method: clinical testing. Allele origin: unknown.